The following is an entry in ClinVar:

NM_001352027.3(PHF21A):c.572C>G (p.Ala191Gly)

Gene: PHF21A (PHD finger protein 21A; minus strand). Cytogenetic location: 11p11.2.
Variant type: single nucleotide variant.
Coding change: c.572C>G on transcript NM_001352027.3 (MANE Select); coding-DNA position 572, C replaced by G.
Protein change: p.Ala191Gly; replaces alanine 191 with glycine.
Molecular consequence: missense variant. On other transcripts: non-coding transcript variant (2).
Genome position (GRCh38, 1-based): chr11:45,971,156, G>C on the plus strand (C>G on the coding strand, the complement: PHF21A is on the minus strand). VCF-style: chr11-45971156-G-C. GRCh37 (hg19) VCF-style: chr11-45992707-G-C.
Other names: c.572C>G, p.Ala191Gly (NM_001101802.3, NM_001352025.3, NM_001352026.3 and 5 more transcripts); c.569C>G, p.Ala190Gly (NM_001352030.3); short protein forms A190G, A191G.
Identifiers: ClinVar variation 2577698 (VCV002577698.1), dbSNP rs2498003552, ClinGen allele CA380209057.

ClinVar aggregate classification (germline): Uncertain significance (1 of 4 stars; one submission).

Submission:

GeneDx
Classification: Uncertain significance. Last evaluated: 2023-02-22. Review status: criteria provided, single submitter. Criteria: GeneDx Variant Classification Process June 2021. Collection method: clinical testing. Allele origin: germline. Affected: yes.
Comment: Not observed at significant frequency in large population cohorts (gnomAD); In silico analysis supports that this missense variant does not alter protein structure/function; In silico analysis suggests this variant may impact gene splicing. In the absence of RNA/functional studies, the actual effect of this sequence change is unknown.; Has not been previously published as pathogenic or benign to our knowledge